The following is an entry in ClinVar:

NM_014846.4(WASHC5):c.925G>A (p.Ala309Thr)

Gene: WASHC5 (WASH complex subunit 5; minus strand). Cytogenetic location: 8q24.13.
Variant type: single nucleotide variant.
Coding change: c.925G>A on transcript NM_014846.4 (MANE Select); coding-DNA position 925, G replaced by A.
Protein change: p.Ala309Thr; replaces alanine 309 with threonine.
Molecular consequence: missense variant.
Genome position (GRCh38, 1-based): chr8:125,075,051, C>T on the plus strand (G>A on the coding strand, the complement: WASHC5 is on the minus strand). VCF-style: chr8-125075051-C-T. GRCh37 (hg19) VCF-style: chr8-126087293-C-T.
Other names: c.481G>A, p.Ala161Thr (NM_001330609.2); short protein forms A161T, A309T.
Identifiers: ClinVar variation 2040784 (VCV002040784.4), dbSNP rs369907672, ClinGen allele CA4873978.

ClinVar aggregate classification (germline): Uncertain significance. Review status: criteria provided, multiple submitters, no conflicts (2 of 4 stars). 2 submissions from 2 submitters: Uncertain significance (2). Last evaluated 2025-01-13.

Conditions:
Ritscher-Schinzel syndrome. Also called: CRANIOCEREBELLOCARDIAC DYSPLASIA. Identifiers: Orphanet 7, MedGen C0796137, MONDO:0019078.
Hereditary spastic paraplegia 8 (SPG8). Also called: SPASTIC PARAPLEGIA 8, AUTOSOMAL DOMINANT. Identifiers: Orphanet 100989, MedGen C1863704, MONDO:0011339, OMIM 603563.

Allele frequency attached by ClinVar (database versions not stated): ExAC 0.00001; gnomAD 0.00003; ESP Exome Variant Server 0.00008; gnomAD exomes 0.00008.
gnomAD v4.1: 126 of 1,613,050 alleles (0.0078%); highest among the groups gnomAD compares: Non-Finnish European, 0.01%; 1 homozygote.

Submissions (2):

Labcorp Genetics (formerly Invitae), Labcorp
Classification: Uncertain significance for Ritscher-Schinzel syndrome; Hereditary spastic paraplegia 8. Last evaluated: 2025-01-13. Review status: criteria provided, single submitter. Criteria: Invitae Variant Classification Sherloc (09022015). Collection method: clinical testing. Allele origin: germline.
Comment: This sequence change replaces alanine, which is neutral and non-polar, with threonine, which is neutral and polar, at codon 309 of the WASHC5 protein (p.Ala309Thr). The frequency data for this variant in the population databases is considered unreliable, as metrics indicate poor data quality at this position in the gnomAD database. This variant has not been reported in the literature in individuals affected with WASHC5-related conditions. ClinVar contains an entry for this variant (Variation ID: 2040784). Invitae Evidence Modeling of protein sequence and biophysical properties (such as structural, functional, and spatial information, amino acid conservation, physicochemical variation, residue mobility, and thermodynamic stability) indicates that this missense variant is expected to disrupt WASHC5 protein function with a positive predictive value of 80%. In summary, the available evidence is currently insufficient to determine the role of this variant in disease. Therefore, it has been classified as a Variant of Uncertain Significance.

Blueprint Genetics
Classification: Uncertain significance. Last evaluated: 2024-08-15. Review status: criteria provided, single submitter. Criteria: ACMG Guidelines, 2015. Collection method: clinical testing. Allele origin: germline.